The following is an entry in ClinVar:

ClinVar aggregate classification (germline): Uncertain significance (1 of 4 stars; one submission).

Conditions:
Hereditary cancer-predisposing syndrome. Also called: Neoplastic Syndromes, Hereditary; Tumor predisposition; Hereditary neoplastic syndrome; Hereditary Cancer Syndrome. Identifiers: Orphanet 140162, MedGen C0027672, MeSH D009386, MONDO:0015356.

Submission:

Ambry Genetics
Classification: Uncertain significance for Hereditary cancer-predisposing syndrome. Last evaluated: 2026-08-02. Review status: criteria provided, single submitter. Criteria: Ambry Variant Classification Scheme 2023. Collection method: clinical testing. Allele origin: germline.
Comment: The p.Q116H variant (also known as c.348G>T), located in coding exon 2 of the FLCN gene, results from a G to T substitution at nucleotide position 348. The glutamine at codon 116 is replaced by histidine, an amino acid with highly similar properties. This amino acid position is conserved. In addition, the in silico prediction for this alteration is inconclusive. Based on the available evidence, the clinical significance of this variant remains unclear.

NM_144997.7(FLCN):c.348G>T (p.Gln116His)

Gene: FLCN (folliculin; minus strand). Cytogenetic location: 17p11.2.
Variant type: single nucleotide variant.
Coding change: c.348G>T on transcript NM_144997.7 (MANE Select); coding-DNA position 348, G replaced by T.
Protein change: p.Gln116His; replaces glutamine 116 with histidine.
Molecular consequence: missense variant.
Genome position (GRCh38, 1-based): chr17:17,226,224, C>A on the plus strand (G>T on the coding strand, the complement: FLCN is on the minus strand). VCF-style: chr17-17226224-C-A. GRCh37 (hg19) VCF-style: chr17-17129538-C-A.
Other names: c.348G>T, p.Gln116His (NM_001353229.2, NM_001353230.2, NM_001353231.2 and 1 more transcripts); short protein forms Q116H.
Identifiers: ClinVar variation 5021863 (VCV005021863.1).